The following is an entry in ClinVar:

NM_000537.4(REN):c.736G>A (p.Gly246Ser)

Gene: REN (renin; minus strand). Cytogenetic location: 1q32.1.
Variant type: single nucleotide variant.
Coding change: c.736G>A on transcript NM_000537.4 (MANE Select); coding-DNA position 736, G replaced by A.
Protein change: p.Gly246Ser; replaces glycine 246 with serine.
Molecular consequence: missense variant.
Genome position (GRCh38, 1-based): chr1:204,156,759, C>T on the plus strand (G>A on the coding strand, the complement: REN is on the minus strand). VCF-style: chr1-204156759-C-T. GRCh37 (hg19) VCF-style: chr1-204125887-C-T.
Other names: short protein forms G246S.
Identifiers: ClinVar variation 2998821 (VCV002998821.3), dbSNP rs2527482911, ClinGen allele CA344334721.

ClinVar aggregate classification (germline): Uncertain significance (1 of 4 stars; one submission).

Allele frequency attached by ClinVar (database versions not stated): gnomAD exomes below 0.00001.
gnomAD v4.1: 1 of 1,614,050 alleles (0.000062%); highest among the groups gnomAD compares: Non-Finnish European, 0.000085%; no homozygotes.

Submission:

Labcorp Genetics (formerly Invitae), Labcorp
Classification: Uncertain significance. Last evaluated: 2023-12-09. Review status: criteria provided, single submitter. Criteria: Invitae Variant Classification Sherloc (09022015). Collection method: clinical testing. Allele origin: germline.
Comment: This sequence change replaces glycine, which is neutral and non-polar, with serine, which is neutral and polar, at codon 246 of the REN protein (p.Gly246Ser). This variant is not present in population databases (gnomAD no frequency). This variant has not been reported in the literature in individuals affected with REN-related conditions. Advanced modeling of protein sequence and biophysical properties (such as structural, functional, and spatial information, amino acid conservation, physicochemical variation, residue mobility, and thermodynamic stability) performed at Invitae indicates that this missense variant is not expected to disrupt REN protein function with a negative predictive value of 80%. In summary, the available evidence is currently insufficient to determine the role of this variant in disease. Therefore, it has been classified as a Variant of Uncertain Significance.